The following is an entry in ClinVar:

NM_000562.3(C8A):c.1372G>A (p.Asp458Asn)

Gene: C8A (complement C8 alpha chain; plus strand). Cytogenetic location: 1p32.2.
Variant type: single nucleotide variant.
Coding change: c.1372G>A on transcript NM_000562.3 (MANE Select); coding-DNA position 1372, G replaced by A.
Protein change: p.Asp458Asn; replaces aspartic acid 458 with asparagine.
Molecular consequence: missense variant.
Genome position (GRCh38, 1-based): chr1:56,908,105, G>A. VCF-style: chr1-56908105-G-A. GRCh37 (hg19) VCF-style: chr1-57373778-G-A.
Other names: p.Asp458Asn; short protein forms D458N.
Identifiers: ClinVar variation 777910 (VCV000777910.16), dbSNP rs17114555, ClinGen allele CA875344.

ClinVar aggregate classification (germline): Benign/Likely benign. Review status: criteria provided, multiple submitters, no conflicts (2 of 4 stars). 5 submissions from 5 submitters: Benign (3); Likely benign (1). 1 of the submissions does not count toward it. Last evaluated 2026-02-03.

Conditions:
C8A-related disorder. Also called: C8A-related condition.

Allele frequency attached by ClinVar (database versions not stated): gnomAD exomes 0.00730; ExAC 0.00903; gnomAD 0.02729 and 0.02929; 1000 Genomes Project 0.03035; TOPMed 0.03076; ESP Exome Variant Server 0.03175; 1000 Genomes Project 30x 0.03435.
gnomAD v4.1: 8,485 of 1,614,044 alleles (0.53%); highest among the groups gnomAD compares: African/African-American, 9.5%; 353 homozygotes.

Submissions (5):

Labcorp Genetics (formerly Invitae), Labcorp
Classification: Benign. Last evaluated: 2026-02-03. Review status: criteria provided, single submitter. Criteria: Invitae Variant Classification Sherloc (09022015). Collection method: clinical testing. Allele origin: germline.

Women's Health and Genetics/Laboratory Corporation of America, LabCorp
Classification: Likely benign. Last evaluated: 2026-01-22. Review status: criteria provided, single submitter. Criteria: LabCorp Variant Classification Summary - May 2015. Collection method: clinical testing. Allele origin: germline.

Mayo Clinic Laboratories, Mayo Clinic
Classification: Benign. Last evaluated: 2022-09-06. Review status: criteria provided, single submitter. Criteria: ACMG Guidelines, 2015. Collection method: clinical testing. Allele origin: germline. Observed: 8 variant alleles.

Breakthrough Genomics
Classification: Benign. Review status: criteria provided, single submitter. Criteria: ACMG Guidelines, 2015. Collection method: not provided. Allele origin: germline. Inheritance: Autosomal recessive inheritance. Affected: yes.

PreventionGenetics, part of Exact Sciences
Classification: Benign for C8A-related condition. Last evaluated: 2019-04-01. Review status: no assertion criteria provided. Collection method: clinical testing. Allele origin: germline. Not counted in ClinVar's aggregate classification.
Comment: This variant is classified as benign based on ACMG/AMP sequence variant interpretation guidelines (Richards et al. 2015 PMID: 25741868, with internal and published modifications).